The following is an entry in ClinVar:

ClinVar aggregate classification (germline): Uncertain significance (1 of 4 stars; one submission).

gnomAD v4.1: 484 of 1,614,046 alleles (0.03%); highest among the groups gnomAD compares: African/African-American, 0.57%; 2 homozygotes.

Submissions (3):

GeneDx
Classification: Uncertain significance. Last evaluated: 2025-07-24. Review status: criteria provided, single submitter. Criteria: GeneDx Variant Classification Process June 2021. Collection method: clinical testing. Allele origin: germline. Affected: yes.
Comment: In silico analysis suggests that this missense variant does not alter protein structure/function; Has not been previously published as pathogenic or benign to our knowledge

Dr. Peter K. Rogan Lab, Western University
No classification provided (evidence only). Condition: Thyroid cancer, nonmedullary, 1. Review status: no classification provided. Collection method: in vitro. Allele origin: not applicable. Functional consequence: retained intron. Not counted in ClinVar's aggregate classification.

Dr. Peter K. Rogan Lab, Western University
No classification provided (evidence only). Condition: Uterine carcinosarcoma. Review status: no classification provided. Collection method: in vitro. Allele origin: not applicable. Functional consequence: skipped exon. Not counted in ClinVar's aggregate classification.

NM_001287491.2(TET3):c.1292C>G (p.Thr431Ser)

Gene: TET3 (tet methylcytosine dioxygenase 3; plus strand). Cytogenetic location: 2p13.1.
Variant type: single nucleotide variant.
Coding change: c.1292C>G on transcript NM_001287491.2 (MANE Select); coding-DNA position 1292, C replaced by G.
Protein change: p.Thr431Ser; replaces threonine 431 with serine.
Molecular consequence: missense variant.
Genome position (GRCh38, 1-based): chr2:74,047,209, C>G. VCF-style: chr2-74047209-C-G. GRCh37 (hg19) VCF-style: chr2-74274336-C-G.
Other names: NC_000002.11:g.74274336C>G; c.1013C>G, p.Thr338Ser (NM_001366022.1); c.1292C>G (NM_001287491.1); short protein forms T338S, T431S.
Identifiers: ClinVar variation 4516407 (VCV004516407.2).